The following is an entry in ClinVar:

ClinVar aggregate classification (germline): Conflicting classifications of pathogenicity. Review status: criteria provided, conflicting classifications (1 of 4 stars). 17 submissions from 17 submitters: Uncertain significance (6); Likely benign (9). 2 of the submissions do not count toward it. Last evaluated 2026-02-01.

Conditions:
Hereditary nonpolyposis colorectal neoplasms. Identifiers: MedGen C0009405, MeSH D003123.
Hereditary cancer-predisposing syndrome. Also called: Hereditary Cancer Syndrome; Tumor predisposition; Neoplastic Syndromes, Hereditary; Hereditary neoplastic syndrome. Identifiers: Orphanet 140162, MedGen C0027672, MeSH D009386, MONDO:0015356.
Breast and/or ovarian cancer. Identifiers: MedGen CN221562.
Lynch syndrome 5 (LYNCH5). Also called: Hereditary non-polyposis colorectal cancer, type 5; Colorectal cancer, hereditary nonpolyposis, type 5. Identifiers: Orphanet 144, MedGen C1833477, MONDO:0013710, OMIM 614350. Disease mechanism: loss of function.
Endometrial carcinoma. Also called: Endometrial carcinoma, somatic. Identifiers: MedGen C0476089, MONDO:0002447, OMIM 608089, HP:0012114.
Carcinoma of colon (CRC). Also called: Colonic carcinoma; Colon carcinoma. Identifiers: MedGen C0699790, MONDO:0002032.

Allele frequency attached by ClinVar (database versions not stated): gnomAD 0.00002 and 0.00003; TOPMed 0.00003; gnomAD exomes 0.00009 and 0.00019; ExAC 0.00022.

Submissions 1 to 13 of 17:

CeGaT Center for Human Genetics Tuebingen
Classification: Likely benign. Last evaluated: 2026-02-01. Review status: criteria provided, single submitter. Criteria: CeGaT Center For Human Genetics Tuebingen Variant Classification Criteria Version 2. Collection method: clinical testing. Allele origin: germline. Affected: yes. Observed: 1 variant allele.
Comment: MSH6: PP3, BS1

Labcorp Genetics (formerly Invitae), Labcorp
Classification: Likely benign for Hereditary nonpolyposis colorectal neoplasms. Last evaluated: 2026-01-21. Review status: criteria provided, single submitter. Criteria: Invitae Variant Classification Sherloc (09022015). Collection method: clinical testing. Allele origin: germline.

Center for Genomic Medicine, Rigshospitalet, Copenhagen University Hospital
Classification: Uncertain significance. Last evaluated: 2025-12-29. Review status: criteria provided, single submitter. Criteria: ACMG Guidelines, 2015. Collection method: clinical testing. Allele origin: germline.
Comment: Classification criteria: BS1

Molecular Diagnostics Laboratory, Catalan Institute of Oncology
Classification: Likely benign for Hereditary cancer-predisposing syndrome. Last evaluated: 2025-02-13. Review status: criteria provided, single submitter. Criteria: MMR VCEP Paper Draft V3.1. Collection method: clinical testing. Allele origin: germline.
Comment: PP3_Moderate, BS1, BS3_Supporting c.3851C>T, located in exon 9 of the MSH6 gene, is predicted to result in the substitution of Thr by Met at codon 1284, p.(Thr1284Met). The variant allele was found in 35/30520 alleles, with a filter allele frequency of 0.085% at 95% confidence, within the South Asian population in the gnomAD v2.1.1 database (non-cancer data set) (BS1). Computational tools for this variant suggest no significant impact on splicing and predict a deleterious effect on protein function (MAPP+PolyPhen-2 prior probability for pathogenicity: 0.93 > 0.81) (PP3_moderate). It has been reported in a CIMRA assay with functional Odds for Pathogenicity 0.211 (≤ 0.48) (PMID: 31965077), and it has also shown nuclear expression similar to wild type (PMID: 22851212) (BS3_Supporting). This variant has been reported in two patients affected with colorectal and/or endometrial cancer, and one of these tumours showed microsatellite stability (PMIDs: 10413423, 17854147). In addition, this variant has been reported in ClinVar (5x likely benign, 7x uncertain significance), LOVD (7x uncertain significance) and in InSiGHT (as Class3: uncertain; Summary Justification: Insuficient evidence; 2013/09/05 v1.9) databases. Based on currently available information, the variant c.3851C>T should be considered a likely benign variant.

Myriad Genetics, Inc.
Classification: Likely benign for Lynch syndrome 5. Last evaluated: 2025-01-08. Review status: criteria provided, single submitter. Criteria: Myriad Autosomal Dominant, Autosomal Recessive and X-Linked Classification Criteria (2023). Collection method: clinical testing. Allele origin: unknown.
Comment: This variant is considered likely benign. This variant is strongly associated with less severe personal and family histories of cancer, typical for individuals without pathogenic variants in this gene [PMID: 27363726].

Molecular Pathology, Peter Maccallum Cancer Centre
Classification: Likely benign for Lynch syndrome 5. Last evaluated: 2024-04-24. Review status: criteria provided, single submitter. Criteria: ACMG Guidelines, 2015. Collection method: clinical testing. Allele origin: germline. Inheritance: Autosomal dominant inheritance.

Color Diagnostics, LLC DBA Color Health
Classification: Likely benign for Hereditary cancer-predisposing syndrome. Last evaluated: 2024-01-29. Review status: criteria provided, single submitter. Criteria: ACMG Guidelines, 2015. Collection method: clinical testing. Allele origin: germline.

Quest Diagnostics Nichols Institute San Juan Capistrano
Classification: Likely benign. Last evaluated: 2023-06-29. Review status: criteria provided, single submitter. Criteria: Quest Diagnostics criteria. Collection method: clinical testing. Allele origin: unknown.

Ambry Genetics
Classification: Likely benign for Hereditary cancer-predisposing syndrome. Last evaluated: 2023-02-15. Review status: criteria provided, single submitter. Criteria: Ambry Variant Classification Scheme 2023. Collection method: clinical testing. Allele origin: germline.

Neuberg Centre For Genomic Medicine, NCGM
Classification: Uncertain significance for Endometrial carcinoma. Last evaluated: 2023-02-14. Review status: criteria provided, single submitter. Criteria: ACMG Guidelines, 2015. Collection method: clinical testing. Allele origin: germline. Affected: yes.
Comment: The missense c.3851C>T (p.Thr1284Met) variant in MSH6 gene has been reported previously in individuals in heterozygous state with MSH6-related susceptiblity to cancer (Yan et al. 2007; Chan et al. 2017; Young et al. 2018). The p.Thr1284Met variant is reported with an allele frequency of 0.02% in the gnomAD exomes database and is novel (not in any individuals) in 1000 Genomes database. This variant has been reported to the ClinVar database as Likely Benign / Uncertain Significance (multiple submissions). The amino acid change p.Thr1284Met in MSH6 is predicted as conserved by GERP++ and PhyloP across 100 vertebrates. The amino acid Thr at position 1284 is changed to a Met changing protein sequence and it might alter its composition and physico-chemical properties. For these reasons, this variant has been classified as a Variant of Uncertain Significance (VUS).

GeneDx
Classification: Uncertain significance. Last evaluated: 2022-11-08. Review status: criteria provided, single submitter. Criteria: GeneDx Variant Classification Process June 2021. Collection method: clinical testing. Allele origin: germline. Affected: yes.
Comment: In silico analysis supports that this missense variant has a deleterious effect on protein structure/function; Reported in individuals with a personal or family history of pancreatic cancer, rhabdomyosarcoma, a microsatellite stable (MSS) colon tumor, and/or other cancers (Chan et al., 1999; Yan et al., 2007; Chan et al., 2017; Young et al., 2018); Published functional studies demonstrate no damaging effect: subcellular localization and mismatch repair activity similar to wild type (Belvederesi et al., 2012; Drost et al., 2020); This variant is associated with the following publications: (PMID: 23621914, 17854147, 26333163, 10413423, 22851212, 29945567, 28878254, 31965077, 17531815, 21120944)

CHEO Genetics Diagnostic Laboratory, Children's Hospital of Eastern Ontario
Classification: Uncertain significance for Breast and/or ovarian cancer. Last evaluated: 2022-08-29. Review status: criteria provided, single submitter. Criteria: ACMG Guidelines, 2015. Collection method: clinical testing. Allele origin: germline.

Laboratory for Molecular Medicine, Mass General Brigham Personalized Medicine
Classification: Uncertain significance. Last evaluated: 2021-12-20. Review status: criteria provided, single submitter. Criteria: ACMG Guidelines, 2015. Collection method: clinical testing. Allele origin: germline.
Comment: The p.Thr1284Met variant in MSH6 has been reported in 2 individuals with colorectal cancer, 1 individual with sarcoma, and 1 individual with pancreatic cancer (Chan 1999 PMID: 10413423, Yan 2007 PMID: 17854147, Chan 2017 PMID: 28878254, Young 2018 PMID: 29945567). It has also been identified in 0.11% (35/30610) of South Asian chromosomes by gnomAD. Computational prediction tools and conservation analyses suggest that this variant may impact the protein, though this information is not predictive enough to determine pathogenicity. In vitro functional studies provide conflicting evidence regarding the role of this variant on protein function (Belvederesi 2012 PMID: 22851212, Terui 2013 PMID: 23621914, Niroula 2015 PMID: 26333163); however, these types of assays may not accurately represent biological function. In summary, while the clinical significance of this variant is uncertain, its frequency in combination with these data suggest that it is more likely to be benign. ACMG/AMP Criteria applied: BS1, PP3.

NM_000179.3(MSH6):c.3851C>T (p.Thr1284Met)

Gene: MSH6 (mutS homolog 6; plus strand). Cytogenetic location: 2p16.3.
Variant type: single nucleotide variant.
Coding change: c.3851C>T on transcript NM_000179.3 (MANE Select); coding-DNA position 3851, C replaced by T.
Protein change: p.Thr1284Met; replaces threonine 1284 with methionine.
Molecular consequence: missense variant.
Genome position (GRCh38, 1-based): chr2:47,806,501, C>T. VCF-style: chr2-47806501-C-T. GRCh37 (hg19) VCF-style: chr2-48033640-C-T.
Other names: c.3461C>T, p.Thr1154Met (NM_001281492.2); c.2945C>T, p.Thr982Met (NM_001281493.2, NM_001281494.2); short protein forms T1284M, T982M, T1154M.
Identifiers: ClinVar variation 89476 (VCV000089476.46), dbSNP rs63750836, ClinGen allele CA014580.